The following is an entry in ClinVar:

ClinVar aggregate classification (germline): Benign/Likely benign. Review status: criteria provided, multiple submitters, no conflicts (2 of 4 stars). 7 submissions from 7 submitters: Benign (1); Likely benign (5). 1 of the submissions does not count toward it. Last evaluated 2026-08-01.

Conditions:
Classic or attenuated familial adenomatous polyposis. Identifiers: MedGen CN372698, MONDO:0021057.
Familial adenomatous polyposis 1 (FAP1). Also called: FAMILIAL ADENOMATOUS POLYPOSIS 1, ATTENUATED; POLYPOSIS, ADENOMATOUS INTESTINAL. Identifiers: MedGen C2713442, MONDO:0021056, OMIM 175100. Disease mechanism: loss of function.
APC-related disorder. Also called: APC-related condition.
Hereditary cancer-predisposing syndrome. Also called: Hereditary neoplastic syndrome; Neoplastic Syndromes, Hereditary; Hereditary Cancer Syndrome; Tumor predisposition. Identifiers: Orphanet 140162, MedGen C0027672, MeSH D009386, MONDO:0015356.

Allele frequency attached by ClinVar (database versions not stated): gnomAD exomes below 0.00001.
gnomAD v4.1: 2 of 1,614,192 alleles (0.00012%); highest among the groups gnomAD compares: Non-Finnish European, 0.00017%; no homozygotes.

Submissions (7):

CeGaT Center for Human Genetics Tuebingen
Classification: Likely benign. Last evaluated: 2026-08-01. Review status: criteria provided, single submitter. Criteria: CeGaT Center For Human Genetics Tuebingen Variant Classification Criteria Version 2. Collection method: clinical testing. Allele origin: germline. Affected: yes. Observed: 1 variant allele.
Comment: APC: BP4, BP7

Labcorp Genetics (formerly Invitae), Labcorp
Classification: Likely benign for Familial adenomatous polyposis 1. Last evaluated: 2025-12-15. Review status: criteria provided, single submitter. Criteria: Invitae Variant Classification Sherloc (09022015). Collection method: clinical testing. Allele origin: germline.

Myriad Genetics, Inc.
Classification: Benign for Familial adenomatous polyposis 1. Last evaluated: 2024-03-21. Review status: criteria provided, single submitter. Criteria: Myriad Autosomal Dominant, Autosomal Recessive and X-Linked Classification Criteria (2023). Collection method: clinical testing. Allele origin: unknown.
Comment: This variant is considered benign. This variant is a silent/synonymous amino acid change and it is not expected to impact splicing.

All of Us Research Program, National Institutes of Health
Classification: Likely benign for Classic or attenuated familial adenomatous polyposis. Last evaluated: 2023-06-26. Review status: criteria provided, single submitter. Criteria: ACMG Guidelines, 2015. Collection method: clinical testing. Allele origin: germline. Inheritance: Autosomal dominant inheritance. Observed: 2 variant alleles, 2 heterozygotes.
Comment: This study involves interpretation of variants in research participants for the purpose of population health screening. Participant phenotype was not available at the time of variant classification. Additional details can be found in publication PMID: 35346344, PMCID: PMC8962531

Color Diagnostics, LLC DBA Color Health
Classification: Likely benign for Hereditary cancer-predisposing syndrome. Last evaluated: 2016-10-31. Review status: criteria provided, single submitter. Criteria: ACMG Guidelines, 2015. Collection method: clinical testing. Allele origin: germline.

Ambry Genetics
Classification: Likely benign for Hereditary cancer-predisposing syndrome. Last evaluated: 2016-08-16. Review status: criteria provided, single submitter. Criteria: Ambry Variant Classification Scheme 2023. Collection method: clinical testing. Allele origin: germline.

PreventionGenetics, part of Exact Sciences
Classification: Likely benign for APC-related condition. Last evaluated: 2023-04-12. Review status: no assertion criteria provided. Collection method: clinical testing. Allele origin: germline. Not counted in ClinVar's aggregate classification.
Comment: This variant is classified as likely benign based on ACMG/AMP sequence variant interpretation guidelines (Richards et al. 2015 PMID: 25741868, with internal and published modifications).

NM_000038.6(APC):c.3639A>G (p.Ser1213=)

Gene: APC (APC regulator of Wnt signaling pathway; plus strand). Cytogenetic location: 5q22.2.
Variant type: single nucleotide variant.
Coding change: c.3639A>G on transcript NM_000038.6 (MANE Select); coding-DNA position 3639, A replaced by G.
Protein change: p.Ser1213=; no amino-acid change (serine 1213 retained).
Molecular consequence: synonymous variant.
Genome position (GRCh38, 1-based): chr5:112,839,233, A>G. VCF-style: chr5-112839233-A-G. GRCh37 (hg19) VCF-style: chr5-112174930-A-G.
Other names: c.3639A>G, p.Ser1213= (NM_001127510.3, NM_001354895.2); c.3585A>G, p.Ser1195= (NM_001127511.3); c.3693A>G, p.Ser1231= (NM_001354896.2); c.3669A>G, p.Ser1223= (NM_001354897.2); c.3564A>G, p.Ser1188= (NM_001354898.2); c.3555A>G, p.Ser1185= (NM_001354899.2); c.3516A>G, p.Ser1172= (NM_001354900.2); c.3462A>G, p.Ser1154= (NM_001354901.2); and 5 more.
Identifiers: ClinVar variation 416741 (VCV000416741.22), dbSNP rs1060504882, ClinGen allele CA16611612.